The following is an entry in ClinVar:

ClinVar aggregate classification (germline): Uncertain significance. Review status: criteria provided, multiple submitters, no conflicts (2 of 4 stars). 2 submissions from 2 submitters: Uncertain significance (2). Last evaluated 2025-10-23.

Conditions:
Hereditary cancer-predisposing syndrome. Also called: Tumor predisposition; Hereditary Cancer Syndrome; Neoplastic Syndromes, Hereditary; Hereditary neoplastic syndrome. Identifiers: Orphanet 140162, MedGen C0027672, MeSH D009386, MONDO:0015356.

Allele frequency attached by ClinVar (database versions not stated): gnomAD exomes below 0.00001.
gnomAD v4.1: 1 of 1,613,926 alleles (0.000062%); highest among the groups gnomAD compares: East Asian, 0.0022%; no homozygotes.

Submissions (2):

Ambry Genetics
Classification: Uncertain significance for Hereditary cancer-predisposing syndrome. Last evaluated: 2025-10-23. Review status: criteria provided, single submitter. Criteria: Ambry Variant Classification Scheme 2023. Collection method: clinical testing. Allele origin: germline.
Comment: The p.K231E variant (also known as c.691A>G), located in coding exon 7 of the FANCC gene, results from an A to G substitution at nucleotide position 691. The lysine at codon 231 is replaced by glutamic acid, an amino acid with similar properties. This amino acid position is highly conserved in available vertebrate species. In addition, the in silico prediction for this alteration is inconclusive. Since supporting evidence is limited at this time, the clinical significance of this alteration remains unclear.

Genetic Services Laboratory, University of Chicago
Classification: Uncertain significance. Last evaluated: 2018-01-24. Review status: criteria provided, single submitter. Criteria: ACMG Guidelines, 2015. Collection method: clinical testing. Allele origin: germline. Affected: no.

NM_000136.3(FANCC):c.691A>G (p.Lys231Glu)

Genes: AOPEP (aminopeptidase O (putative); plus strand), FANCC (FA complementation group C; minus strand). Cytogenetic location: 9q22.32.
Variant type: single nucleotide variant.
Coding change: c.691A>G on transcript NM_000136.3 (MANE Select); coding-DNA position 691, A replaced by G.
Protein change: p.Lys231Glu; replaces lysine 231 with glutamic acid.
Molecular consequence: missense variant.
Genome position (GRCh38, 1-based): chr9:95,135,498, T>C on the plus strand (A>G on the coding strand, the complement: FANCC is on the minus strand). VCF-style: chr9-95135498-T-C. GRCh37 (hg19) VCF-style: chr9-97897780-T-C.
Other names: c.691A>G, p.Lys231Glu (NM_001243743.2, NM_001243744.2); short protein forms K231E.
Identifiers: ClinVar variation 1336499 (VCV001336499.8), dbSNP rs1314066337, ClinGen allele CA374109486.
Genomic context (GRCh38, chr9:95,135,498, plus strand): 5'-CAAGGCTGGGAAGGTGCCGAAGCCAGAGGCAGACTACAGCTGACATGGGGAGAGAAATCT[T>C]CTTCCTTTCAGAAAGAAATAAACAAAATTTTAAACAGAAATGGCTCACTGAAAAAAGAAG-3'
Protein context (NP_000127.2, residues 221-241): EAVNEAILLK[Lys231Glu]ISLPMSAVVC